The following is an entry in ClinVar:

ClinVar aggregate classification (germline): Likely benign. Review status: criteria provided, single submitter (1 of 4 stars). 2 submissions from 2 submitters: Likely benign (1). 1 of the submissions does not count toward it. Last evaluated 2018-10-22.

Conditions:
BRPF1-related disorder. Also called: BRPF1-related condition.

Allele frequency attached by ClinVar (database versions not stated): gnomAD 0.00002; TOPMed 0.00008; ExAC 0.00020; gnomAD exomes 0.00024.
gnomAD v4.1: 68 of 1,614,006 alleles (0.0042%); highest among the groups gnomAD compares: Admixed American, 0.11%; no homozygotes.

Submissions (2):

Labcorp Genetics (formerly Invitae), Labcorp
Classification: Likely benign. Last evaluated: 2018-10-22. Review status: criteria provided, single submitter. Criteria: Invitae Variant Classification Sherloc (09022015). Collection method: clinical testing. Allele origin: germline.

PreventionGenetics, part of Exact Sciences
Classification: Likely benign for BRPF1-related condition. Last evaluated: 2023-01-12. Review status: no assertion criteria provided. Collection method: clinical testing. Allele origin: germline. Not counted in ClinVar's aggregate classification.
Comment: This variant is classified as likely benign based on ACMG/AMP sequence variant interpretation guidelines (Richards et al. 2015 PMID: 25741868, with internal and published modifications).

NM_001003694.2(BRPF1):c.380A>G (p.Glu127Gly)

Gene: BRPF1 (bromodomain and PHD finger containing 1; plus strand). Cytogenetic location: 3p25.3.
Variant type: single nucleotide variant.
Coding change: c.380A>G on transcript NM_001003694.2 (MANE Select); coding-DNA position 380, A replaced by G.
Protein change: p.Glu127Gly; replaces glutamic acid 127 with glycine.
Molecular consequence: missense variant. On other transcripts: non-coding transcript variant (1).
Genome position (GRCh38, 1-based): chr3:9,734,520, A>G. VCF-style: chr3-9734520-A-G. GRCh37 (hg19) VCF-style: chr3-9776204-A-G.
Other names: c.380A>G, p.Glu127Gly (NM_001319049.2, NM_001319050.2, NM_004634.3); short protein forms E127G.
Identifiers: ClinVar variation 725803 (VCV000725803.5), dbSNP rs752723559, ClinGen allele CA2241693.
Genomic context (GRCh38, chr3:9,734,520, plus strand): 5'-TCCACCGCATCAGCATCTTTGACAACCTGGATGTGGTGTCAGAGGATGAGGAAGCCCCCG[A>G]GGAGGCCCCTGAGAATGGCAGCAACAAGGAGAACACTGAGACACCAGCTGCTACTCCCAA-3'
Protein context (NP_001003694.1, residues 117-137): DVVSEDEEAP[Glu127Gly]EAPENGSNKE